The following is an entry in ClinVar:

ClinVar aggregate classification (germline): Likely benign (1 of 4 stars; one submission).

Conditions:
Intellectual developmental disorder, autosomal dominant 45. Also called: MENTAL RETARDATION, AUTOSOMAL DOMINANT 45; Intellectual disability, autosomal dominant 45. Identifiers: MedGen C4539848, MONDO:0030910, OMIM 617600.

Allele frequency attached by ClinVar (database versions not stated): gnomAD exomes below 0.00001; TOPMed below 0.00001.
gnomAD v4.1: 6 of 1,613,490 alleles (0.00037%); highest among the groups gnomAD compares: Non-Finnish European, 0.00042%; no homozygotes.

Submission:

Victorian Clinical Genetics Services, Murdoch Childrens Research Institute
Classification: Likely benign for Intellectual developmental disorder, autosomal dominant 45. Last evaluated: 2022-03-31. Review status: criteria provided, single submitter. Criteria: ACMG Guidelines, 2015. Collection method: clinical testing. Allele origin: germline. Inheritance: Autosomal dominant inheritance. Affected: yes.
Comment: Based on the classification scheme VCGS_Germline_v1.3.4, this variant is classified as likely benign. Following criteria are met: 0102 - Loss of function is a known mechanism of disease in this gene and is associated with CIC-related intellectual disability (MIM#617600). (I) 0107 - This gene is associated with autosomal dominant disease. (I) 0200 - Variant is predicted to result in a missense amino acid change from glycine to arginine. (I) 0251 - This variant is heterozygous. (I) 0301 - Variant is absent from gnomAD (both v2 and v3). (SP) 0502 - Missense variant with conflicting in silico predictions and uninformative conservation. (I) 0604 - Variant is not located in an established domain, motif, hotspot or informative constraint region. (I) 0705 - No comparable missense variants have previous evidence for pathogenicity. (I) 0807 - This variant has no previous evidence of pathogenicity. (I) 0904 - Non-segregation of this variant with the phenotype under investigation has been clearly demonstrated. (SB) 1007 - No published functional evidence has been identified for this variant. (I) Legend: (SP) - Supporting pathogenic, (I) - Information, (SB) - Supporting benign

NM_001386298.1(CIC):c.4462G>A (p.Gly1488Arg)

Gene: CIC (capicua transcriptional repressor; plus strand). Cytogenetic location: 19q13.2.
Variant type: single nucleotide variant.
Coding change: c.4462G>A on transcript NM_001386298.1 (MANE Select); coding-DNA position 4462, G replaced by A.
Protein change: p.Gly1488Arg; replaces glycine 1488 with arginine.
Molecular consequence: missense variant.
Genome position (GRCh38, 1-based): chr19:42,290,503, G>A. VCF-style: chr19-42290503-G-A. GRCh37 (hg19) VCF-style: chr19-42794655-G-A.
Other names: c.4462G>A, p.Gly1488Arg (NM_001304815.2, NM_001379480.1, NM_001379482.1 and 1 more transcripts); c.1735G>A, p.Gly579Arg (NM_001379484.1, NM_001379485.1, NM_015125.5); short protein forms G1488R, G579R.
Identifiers: ClinVar variation 1805673 (VCV001805673.1), dbSNP rs2038007181, ClinGen allele CA406106868.